The following is an entry in ClinVar:

NM_000539.3(RHO):c.83A>G (p.Gln28Arg)

Gene: RHO (rhodopsin; plus strand). Cytogenetic location: 3q22.1.
Variant type: single nucleotide variant.
Coding change: c.83A>G on transcript NM_000539.3 (MANE Select); coding-DNA position 83, A replaced by G.
Protein change: p.Gln28Arg; replaces glutamine 28 with arginine.
Molecular consequence: missense variant.
Genome position (GRCh38, 1-based): chr3:129,528,816, A>G. VCF-style: chr3-129528816-A-G. GRCh37 (hg19) VCF-style: chr3-129247659-A-G.
Other names: short protein forms Q28R.
Identifiers: ClinVar variation 437998 (VCV000437998.12), dbSNP rs1553780837, ClinGen allele CA354495583.

ClinVar aggregate classification (germline): Pathogenic/Likely pathogenic. Review status: criteria provided, multiple submitters, no conflicts (2 of 4 stars). 4 submissions from 4 submitters: Pathogenic (2); Likely pathogenic (1). 1 of the submissions does not count toward it. Last evaluated 2024-04-09.

Conditions:
Retinitis pigmentosa (RP). Identifiers: Orphanet 791, MedGen C0035334, MeSH D012174, MONDO:0019200, OMIM 268000. Inheritance: Autosomal dominant, autosomal recessive and X linked inheritance.
RHO-related disorder. Also called: RHO-related condition.
Retinal dystrophy. Also called: Inherited retinal dystrophy. Identifiers: Orphanet 71862, MedGen C0854723, MeSH D058499, MONDO:0019118, HP:0000556.

Submissions (4):

Labcorp Genetics (formerly Invitae), Labcorp
Classification: Pathogenic. Last evaluated: 2024-04-09. Review status: criteria provided, single submitter. Criteria: Invitae Variant Classification Sherloc (09022015). Collection method: clinical testing. Allele origin: germline.
Comment: This sequence change replaces glutamine, which is neutral and polar, with arginine, which is basic and polar, at codon 28 of the RHO protein (p.Gln28Arg). This variant is not present in population databases (gnomAD no frequency). This missense change has been observed in individuals with clinical features of autosomal dominant retinitis pigmentosa (PMID: 28041643, 32581362; Invitae). ClinVar contains an entry for this variant (Variation ID: 437998). Advanced modeling of protein sequence and biophysical properties (such as structural, functional, and spatial information, amino acid conservation, physicochemical variation, residue mobility, and thermodynamic stability) performed at Invitae indicates that this missense variant is expected to disrupt RHO protein function with a positive predictive value of 95%. This variant disrupts the p.Gln28 amino acid residue in RHO. Other variant(s) that disrupt this residue have been determined to be pathogenic (PMID: 8406457, 24106275, 29847639, 30977563). This suggests that this residue is clinically significant, and that variants that disrupt this residue are likely to be disease-causing. For these reasons, this variant has been classified as Pathogenic.

Institute of Human Genetics, Univ. Regensburg, Univ. Regensburg
Classification: Pathogenic for Retinal dystrophy. Last evaluated: 2023-01-01. Review status: criteria provided, single submitter. Criteria: ACMG Guidelines, 2015. Collection method: clinical testing. Allele origin: germline. Affected: yes.

Blueprint Genetics
Classification: Likely pathogenic for RHO-related disorders. Last evaluated: 2019-09-26. Review status: criteria provided, single submitter. Criteria: ACMG Guidelines, 2015. Collection method: clinical testing. Allele origin: germline. Affected: yes. Observed: 1 variant allele.

NIHR Bioresource Rare Diseases, University of Cambridge
Classification: Likely pathogenic for Retinitis pigmentosa. Last evaluated: 2015-01-01. Review status: no assertion criteria provided. Collection method: research. Allele origin: unknown. Affected: yes. Observed: 1 variant allele. Not counted in ClinVar's aggregate classification.

Literature cited by the submitters: PubMed 28041643 (cited by 3 submitters); PubMed 32581362 (cited by Labcorp Genetics (formerly Invitae), Labcorp); PubMed 8406457 (cited by Labcorp Genetics (formerly Invitae), Labcorp); PubMed 24106275 (cited by Labcorp Genetics (formerly Invitae), Labcorp); PubMed 29847639 (cited by Labcorp Genetics (formerly Invitae), Labcorp); PubMed 30977563 (cited by Labcorp Genetics (formerly Invitae), Labcorp); PubMed 3258136 (cited by Institute of Human Genetics, Univ. Regensburg, Univ. Regensburg).